The following is an entry in ClinVar:

NM_025099.6(CTC1):c.2923A>G (p.Arg975Gly)

Gene: CTC1 (CST telomere replication complex component 1; minus strand). Cytogenetic location: 17p13.1.
Variant type: single nucleotide variant.
Coding change: c.2923A>G on transcript NM_025099.6 (MANE Select); coding-DNA position 2923, A replaced by G.
Protein change: p.Arg975Gly; replaces arginine 975 with glycine.
Molecular consequence: missense variant. On other transcripts: non-coding transcript variant (1).
Genome position (GRCh38, 1-based): chr17:8,230,304, T>C on the plus strand (A>G on the coding strand, the complement: CTC1 is on the minus strand). VCF-style: chr17-8230304-T-C. GRCh37 (hg19) VCF-style: chr17-8133622-T-C.
Other names: short protein forms R975G.
Identifiers: ClinVar variation 631531 (VCV000631531.20), dbSNP rs199473678, ClinGen allele CA8371947.
Genomic context (GRCh38, chr17:8,230,304, plus strand): 5'-GAGAGCCACATCAGTAGCAAGAGGAGGCAGGTGACACTACACATCTTCACCTGGAAACCC[T>C]TTTCTCCAACTGGCTGAAGTGGACCCGGGCTCCTGGAAGTAGTCCTAGTGAGGGAGGCAA-3'
Protein context (NP_079375.3, residues 965-985): ARVHFSQLEK[Arg975Gly]VSRSHNVYCC

ClinVar aggregate classification (germline): Conflicting classifications of pathogenicity. Review status: criteria provided, conflicting classifications (1 of 4 stars). 10 submissions from 10 submitters: Likely pathogenic (7); Uncertain significance (1). 2 of the submissions do not count toward it. Last evaluated 2026-01-08.

Conditions:
CTC1-related disorder. Also called: CTC1-related condition.
Dyskeratosis congenita. Identifiers: Orphanet 1775, MedGen C0265965, MONDO:0015780.
Cerebroretinal microangiopathy with calcifications and cysts 1 (CRMCC1). Identifiers: Orphanet 313838, MedGen C4552029, MONDO:0024564, OMIM 612199.

Allele frequency attached by ClinVar (database versions not stated): gnomAD exomes 0.00007 and 0.00003; TOPMed 0.00005; ExAC 0.00006; gnomAD 0.00007.
gnomAD v4.1: 51 of 1,611,172 alleles (0.0032%); highest among the groups gnomAD compares: Non-Finnish European, 0.0041%; no homozygotes.

Submissions (10):

GeneDx
Classification: Likely pathogenic. Last evaluated: 2026-01-08. Review status: criteria provided, single submitter. Criteria: GeneDx Variant Classification Process June 2021. Collection method: clinical testing. Allele origin: germline. Affected: yes.
Comment: Published functional studies demonstrate a damaging effect with global genome instabilities under replication stress (PMID: 29481669); In silico analysis supports that this missense variant has a deleterious effect on protein structure/function; This variant is associated with the following publications: (PMID: 23869908, 32033110, 24115768, 22267198, 32499435, 22387016, 34308104, 37495394, 29481669, 37021555)

Fulgent Genetics
Classification: Likely pathogenic for Cerebroretinal microangiopathy with calcifications and cysts 1. Last evaluated: 2023-12-28. Review status: criteria provided, single submitter. Criteria: ACMG Guidelines, 2015. Collection method: clinical testing. Allele origin: germline.

Genetic Services Laboratory, University of Chicago
Classification: Likely pathogenic. Last evaluated: 2023-10-10. Review status: criteria provided, single submitter. Criteria: ACMG Guidelines, 2015. Collection method: clinical testing. Allele origin: germline. Affected: yes.
Comment: DNA sequence analysis of the CTC1 gene demonstrated a sequence change, c.2923A>G, in exon 17 that results in an amino acid change, p.Arg975Gly. The p.Arg975Gly change affects a poorly conserved amino acid residue located in a domain of the CTC1 protein that is not known to be functional. The p.Arg975Gly substitution appears to be deleterious using several in-silico pathogenicity prediction tools (SIFT, PolyPhen2, Align GVGD, REVEL). This particular amino acid change has been described in the literature in the compound heterozygous state with truncating variants in several individuals with CTC1-related disorders (PMID: 22267198, 22387016). This sequence change has been described in the gnomAD database with a frequency of 0.007% in the overall population (dbSNP rs199473678). Functional studies indicate that the p.Arg975Gly amino acid change has a deleterious effect on CTC1 function (PMID: 24115768, PMID: 29481669). These collective evidences indicate that this sequence change is likely pathogenic however this has not been conclusively determined.

Blueprint Genetics
Classification: Likely pathogenic for CTC1-related disorders. Last evaluated: 2023-04-26. Review status: criteria provided, single submitter. Criteria: ACMG Guidelines, 2015. Collection method: clinical testing. Allele origin: germline. Affected: yes. Observed: 5 variant alleles.

Department of Pathology and Laboratory Medicine, Sinai Health System
Classification: Likely pathogenic for dyskeratosis congenita. Last evaluated: 2022-12-22. Review status: criteria provided, single submitter. Criteria: ACMG Guidelines, 2015. Collection method: research. Allele origin: germline.

Labcorp Genetics (formerly Invitae), Labcorp
Classification: Uncertain significance for Dyskeratosis congenita. Last evaluated: 2022-08-15. Review status: criteria provided, single submitter. Criteria: Invitae Variant Classification Sherloc (09022015). Collection method: clinical testing. Allele origin: germline.
Comment: This sequence change replaces arginine, which is basic and polar, with glycine, which is neutral and non-polar, at codon 975 of the CTC1 protein (p.Arg975Gly). This variant is present in population databases (rs199473678, gnomAD 0.02%). This missense change has been observed in individuals with Coats plus syndrome (PMID: 22267198, 22387016, 22899577). ClinVar contains an entry for this variant (Variation ID: 631531). Algorithms developed to predict the effect of missense changes on protein structure and function are either unavailable or do not agree on the potential impact of this missense change (SIFT: "Deleterious"; PolyPhen-2: "Possibly Damaging"; Align-GVGD: "Class C0"). Experimental studies have shown that this missense change affects CTC1 function (PMID: 23869908, 24115768, 29481669). In summary, the available evidence is currently insufficient to determine the role of this variant in disease. Therefore, it has been classified as a Variant of Uncertain Significance.

Sema4
Classification: Likely pathogenic for Dyskeratosis congenita. Last evaluated: 2021-09-28. Review status: criteria provided, single submitter. Criteria: Sema4 Curation Guidelines. Collection method: curation. Allele origin: germline.
Comment: The CTC1 c.2923A>G (p.R975G) variant has been reported as compound heterozygous in at least two individuals with Coats plus or cerebroretinal microangiopathy (PMID: 22267198, 22387016). Functional studies have shown that this variant alters normal telomere maintenance, ablates binding to RAD51, and significantly reduces cell proliferation and survival, though it is still able to form the CTC1-STN1-TEN1 (CST) complex (PMID: 24115768, 23869908, 29481669). This variant was observed in 17/112260 chromosomes in the European (non-Finnish) population, with no homozygotes, according to the Genome Aggregation Database (PMID: 32461654), and has been reported in ClinVar (Variation ID: 631531). Based on the current evidence available, this variant is interpreted as likely pathogenic.

Illumina Laboratory Services, Illumina
Classification: Likely pathogenic for Cerebroretinal microangiopathy with calcifications and cysts 1. Last evaluated: 2019-04-05. Review status: criteria provided, single submitter. Criteria: ICSL Variant Classification Criteria 09 May 2019. Collection method: clinical testing. Allele origin: germline.
Comment: The CTC1 c.2923A>G (p.Arg975Gly) missense variant has been reported in two studies in which it is found in a compound heterozygous state with a null variant in two individuals with cerebroretinal microangiopathy with calcifications and cysts (CRMCC or Coats Plus syndrome) (Anderson et al. 2012; Polvi et al. 2012). The p.Arg975Gly variant was absent from 2,097 control subjects but is reported at a frequency of 0.000154 in the European (non-Finnish) population of the Genome Aggregation Database. Functional studies demonstrate that the p.Arg975Gly variant was found to reduce telomere association in vivo to 83% that of wild type, while other telomeric functions were found to be preserved, similar to those of wild type (Chen et al. 2013). Wang et al. (2018) showed that unlike wild type CTC1, the p.Arg975Gly variant failed to completely restore the chromosome abnormalities, RAD51 foci formation, and proliferation defects caused by CTC1 knockdown in cells and that the p.Arg975Gly variant significantly reduced CTC1 association to genomic fragile sites in response to replication stress indicating that this residue might be critical for RAD51 binding. Based on the evidence, the p.Arg975Gly variant is classified as likely pathogenic for CTC1-related disorders. This variant was observed by ICSL as part of a predisposition screen in an ostensibly healthy population.

Clinical Genetics DNA and cytogenetics Diagnostics Lab, Erasmus MC, Erasmus Medical Center
Classification: Pathogenic. Review status: no assertion criteria provided. Collection method: clinical testing. Allele origin: germline. Affected: yes. Study: VKGL Data-share Consensus. Not counted in ClinVar's aggregate classification.

Genome Diagnostics Laboratory, University Medical Center Utrecht
Classification: Pathogenic. Review status: no assertion criteria provided. Collection method: clinical testing. Allele origin: germline. Affected: yes. Study: VKGL Data-share Consensus. Not counted in ClinVar's aggregate classification.

Literature cited by the submitters: PubMed 22267198 (cited by 3 submitters); PubMed 22387016 (cited by 3 submitters); PubMed 22899577 (cited by Labcorp Genetics (formerly Invitae), Labcorp); PubMed 23869908 (cited by Labcorp Genetics (formerly Invitae), Labcorp and Sema4); PubMed 24115768 (cited by 3 submitters); PubMed 29481669 (cited by 3 submitters).